The following is an entry in ClinVar:

ClinVar aggregate classification (germline): Conflicting classifications of pathogenicity. Review status: criteria provided, conflicting classifications (1 of 4 stars). 3 submissions from 3 submitters: Uncertain significance (2); Likely benign (1). Last evaluated 2025-01-13.

Conditions:
Syndromic X-linked intellectual disability 94 (MRXSW). Also called: MENTAL RETARDATION, X-LINKED, SYNDROMIC 29; X-linked intellectual disability due to GRIA3 anomalies. Identifiers: Orphanet 364028, MedGen C2678051, MONDO:0010402, OMIM 300699.

Allele frequency attached by ClinVar (database versions not stated): gnomAD 0.00005 and 0.00006; gnomAD exomes 0.00005 and 0.00006; TOPMed 0.00005; ExAC 0.00006; ESP Exome Variant Server 0.00009.
gnomAD v4.1: 83 of 1,206,821 alleles (0.0069%); highest among the groups gnomAD compares: Non-Finnish European, 0.0083%; no homozygotes.

Submissions (3):

Labcorp Genetics (formerly Invitae), Labcorp
Classification: Uncertain significance. Last evaluated: 2025-01-13. Review status: criteria provided, single submitter. Criteria: Invitae Variant Classification Sherloc (09022015). Collection method: clinical testing. Allele origin: germline.
Comment: This sequence change replaces tyrosine, which is neutral and polar, with histidine, which is basic and polar, at codon 156 of the GRIA3 protein (p.Tyr156His). This variant is present in population databases (rs144902457, gnomAD 0.01%). This variant has not been reported in the literature in individuals affected with GRIA3-related conditions. ClinVar contains an entry for this variant (Variation ID: 224091). Invitae Evidence Modeling of protein sequence and biophysical properties (such as structural, functional, and spatial information, amino acid conservation, physicochemical variation, residue mobility, and thermodynamic stability) indicates that this missense variant is not expected to disrupt GRIA3 protein function with a negative predictive value of 80%. In summary, the available evidence is currently insufficient to determine the role of this variant in disease. Therefore, it has been classified as a Variant of Uncertain Significance.

CeGaT Center for Human Genetics Tuebingen
Classification: Uncertain significance. Last evaluated: 2022-05-01. Review status: criteria provided, single submitter. Criteria: CeGaT Center For Human Genetics Tuebingen Variant Classification Criteria Version 2. Collection method: clinical testing. Allele origin: germline. Affected: yes. Observed: 1 variant allele.
Comment: GRIA3: PP3

HudsonAlpha Institute for Biotechnology
Classification: Likely benign for Syndromic X-linked intellectual disability 94. Last evaluated: 2017-02-09. Review status: criteria provided, single submitter. Criteria: HA_assertions_20161101. Collection method: research. Allele origin: maternal. Affected: no. Observed: 1 variant allele. Study: CSER-HudsonAlpha.

NM_007325.5(GRIA3):c.466T>C (p.Tyr156His)

Gene: GRIA3 (glutamate ionotropic receptor AMPA type subunit 3; plus strand). Cytogenetic location: Xq25.
Variant type: single nucleotide variant.
Coding change: c.466T>C on transcript NM_007325.5 (MANE Select); coding-DNA position 466, T replaced by C.
Protein change: p.Tyr156His; replaces tyrosine 156 with histidine.
Molecular consequence: missense variant.
Genome position (GRCh38, 1-based): chrX:123,253,500, T>C. VCF-style: chrX-123253500-T-C. GRCh37 (hg19) VCF-style: chrX-122387351-T-C.
Other names: c.466T>C, p.Tyr156His (NM_000828.5); short protein forms Y156H.
Identifiers: ClinVar variation 224091 (VCV000224091.31), dbSNP rs144902457, ClinGen allele CA090933.